The following is an entry in ClinVar:

ClinVar aggregate classification (germline): Likely benign (1 of 4 stars; one submission).

Submission:

CeGaT Center for Human Genetics Tuebingen
Classification: Likely benign. Last evaluated: 2025-12-01. Review status: criteria provided, single submitter. Criteria: CeGaT Center For Human Genetics Tuebingen Variant Classification Criteria Version 2. Collection method: clinical testing. Allele origin: germline. Affected: yes. Observed: 1 variant allele.
Comment: CFHR5: PM2:Supporting, BP4, BP7

NM_030787.4(CFHR5):c.39A>G (p.Val13=)

Gene: CFHR5 (complement factor H related 5; plus strand). Cytogenetic location: 1q31.3.
Variant type: single nucleotide variant.
Coding change: c.39A>G on transcript NM_030787.4 (MANE Select); coding-DNA position 39, A replaced by G.
Protein change: p.Val13=; no amino-acid change (valine 13 retained).
Molecular consequence: synonymous variant.
Genome position (GRCh38, 1-based): chr1:196,977,703, A>G. VCF-style: chr1-196977703-A-G. GRCh37 (hg19) VCF-style: chr1-196946833-A-G.
Identifiers: ClinVar variation 4681920 (VCV004681920.5).